The following is an entry in ClinVar:

NM_017780.4(CHD7):c.6378T>C (p.Asp2126=)

Gene: CHD7 (chromodomain helicase DNA binding protein 7; plus strand). Cytogenetic location: 8q12.2.
Variant type: single nucleotide variant.
Coding change: c.6378T>C on transcript NM_017780.4 (MANE Select); coding-DNA position 6378, T replaced by C.
Protein change: p.Asp2126=; no amino-acid change (aspartic acid 2126 retained).
Molecular consequence: synonymous variant. On other transcripts: intron variant (1).
Genome position (GRCh38, 1-based): chr8:60,853,103, T>C. VCF-style: chr8-60853103-T-C. GRCh37 (hg19) VCF-style: chr8-61765662-T-C.
Other names: c.1717-9126T>C (NM_001316690.1).
Identifiers: ClinVar variation 3027045 (VCV003027045.22), dbSNP rs2488042796, ClinGen allele CA461105322.

ClinVar aggregate classification (germline): Likely benign (1 of 4 stars; one submission).

Submission:

CeGaT Center for Human Genetics Tuebingen
Classification: Likely benign. Last evaluated: 2024-02-01. Review status: criteria provided, single submitter. Criteria: CeGaT Center For Human Genetics Tuebingen Variant Classification Criteria Version 2. Collection method: clinical testing. Allele origin: germline. Affected: yes. Observed: 1 variant allele.
Comment: CHD7: PM2:Supporting, BP4, BP7